The following is an entry in ClinVar:

ClinVar aggregate classification (germline): Likely benign (0 of 4 stars; one submission).

Conditions:
KIDINS220-related disorder. Also called: KIDINS220-related condition.

Submission:

PreventionGenetics, part of Exact Sciences
Classification: Likely benign for KIDINS220-related condition. Last evaluated: 2021-09-01. Review status: no assertion criteria provided. Collection method: clinical testing. Allele origin: germline.
Comment: This variant is classified as likely benign based on ACMG/AMP sequence variant interpretation guidelines (Richards et al. 2015 PMID: 25741868, with internal and published modifications).

NM_020738.4(KIDINS220):c.2890A>G (p.Arg964Gly)

Gene: KIDINS220 (kinase D interacting substrate 220; minus strand). Cytogenetic location: 2p25.1.
Variant type: single nucleotide variant.
Coding change: c.2890A>G on transcript NM_020738.4 (MANE Select); coding-DNA position 2890, A replaced by G.
Protein change: p.Arg964Gly; replaces arginine 964 with glycine.
Molecular consequence: missense variant. On other transcripts: non-coding transcript variant (2).
Genome position (GRCh38, 1-based): chr2:8,770,791, T>C on the plus strand (A>G on the coding strand, the complement: KIDINS220 is on the minus strand). VCF-style: chr2-8770791-T-C. GRCh37 (hg19) VCF-style: chr2-8910921-T-C.
Other names: c.2893A>G, p.Arg965Gly (NM_001348729.2, NM_001348731.2, NM_001348734.2 and 3 more transcripts); c.2890A>G, p.Arg964Gly (NM_001348732.2, NM_001348735.2, NM_001348738.2 and 3 more transcripts); c.2764A>G, p.Arg922Gly (NM_001348736.2); short protein forms R922G, R964G, R965G.
Identifiers: ClinVar variation 3356963 (VCV003356963.1).
Genomic context (GRCh38, chr2:8,770,791, plus strand): 5'-ATATGAGCCATGAAGTCCGGTATGGCCACTGCTCAGTAAGGTTGATCCAGCTAGCAAGCC[T>C]GTCCCAGTTGAAACTAATCTGATTGGCTCTCAGTAATCGTCCTTTTAAAAAATACAAAAG-3'
Protein context (NP_065789.1, residues 954-974): RANQISFNWD[Arg964Gly]LASWINLTEQ